The following is an entry in ClinVar:

ClinVar aggregate classification (germline): Uncertain significance (1 of 4 stars; one submission).

Conditions:
Long QT syndrome (LQTS). Identifiers: MedGen C0023976, MeSH D008133, MONDO:0002442. Disease mechanism: loss of function. Inheritance: Various modes of inheritance.

Submission:

All of Us Research Program, National Institutes of Health
Classification: Uncertain significance for Long QT syndrome. Last evaluated: 2023-11-30. Review status: criteria provided, single submitter. Criteria: ACMG Guidelines, 2015. Collection method: clinical testing. Allele origin: germline. Inheritance: Autosomal dominant inheritance. Observed: 1 variant allele, 1 heterozygote.
Comment: This study involves interpretation of variants in research participants for the purpose of population health screening. Participant phenotype was not available at the time of variant classification. Additional details can be found in publication PMID: 35346344, PMCID: PMC8962531

NM_000218.3(KCNQ1):c.493G>C (p.Val165Leu)

Gene: KCNQ1 (potassium voltage-gated channel subfamily Q member 1; plus strand). Cytogenetic location: 11p15.5.
Variant type: single nucleotide variant.
Coding change: c.493G>C on transcript NM_000218.3 (MANE Select); coding-DNA position 493, G replaced by C.
Protein change: p.Val165Leu; replaces valine 165 with leucine.
Molecular consequence: missense variant. On other transcripts: intron variant (1).
Genome position (GRCh38, 1-based): chr11:2,570,643, G>C. VCF-style: chr11-2570643-G-C. GRCh37 (hg19) VCF-style: chr11-2591873-G-C.
Other names: c.493G>C, p.Val165Leu (NM_001406836.1); c.223G>C, p.Val75Leu (NM_001406837.1); c.112G>C, p.Val38Leu (NM_181798.2); c.478-12792G>C (NM_001406838.1); short protein forms V165L, V38L, V75L.
Identifiers: ClinVar variation 3073055 (VCV003073055.1), dbSNP rs1085307580, ClinGen allele CA379129820.